The following is an entry in ClinVar:

NM_020903.3(USP29):c.2370C>A (p.Asp790Glu)

Gene: USP29 (ubiquitin specific peptidase 29; plus strand). Cytogenetic location: 19q13.43.
Variant type: single nucleotide variant.
Coding change: c.2370C>A on transcript NM_020903.3 (MANE Select); coding-DNA position 2370, C replaced by A.
Protein change: p.Asp790Glu; replaces aspartic acid 790 with glutamic acid.
Molecular consequence: missense variant.
Genome position (GRCh38, 1-based): chr19:57,131,045, C>A. VCF-style: chr19-57131045-C-A. GRCh37 (hg19) VCF-style: chr19-57642413-C-A.
Other names: c.2370C>A, p.Asp790Glu (NM_001389643.1); short protein forms D790E.
Identifiers: ClinVar variation 2650568 (VCV002650568.24), dbSNP rs35394887, ClinGen allele CA9694596.

ClinVar aggregate classification (germline): Likely benign (1 of 4 stars; one submission).

Allele frequency attached by ClinVar (database versions not stated): 1000 Genomes Project 30x 0.00453; 1000 Genomes Project 0.00459; gnomAD 0.00487; ESP Exome Variant Server 0.00515; ExAC 0.00593; TOPMed 0.00603; gnomAD exomes 0.00697.

Submission:

CeGaT Center for Human Genetics Tuebingen
Classification: Likely benign. Last evaluated: 2023-03-01. Review status: criteria provided, single submitter. Criteria: CeGaT Center For Human Genetics Tuebingen Variant Classification Criteria Version 2. Collection method: clinical testing. Allele origin: germline. Affected: yes. Observed: 1 variant allele.
Comment: USP29: BP4, BS2